The following is an entry in ClinVar:

NM_019112.4(ABCA7):c.1573dup (p.Ala525fs)

Gene: ABCA7 (ATP binding cassette subfamily A member 7; plus strand). Cytogenetic location: 19p13.3.
Variant type: Duplication.
Coding change: c.1573dup on transcript NM_019112.4 (MANE Select); coding-DNA position 1573, one base duplicated (G; older notation c.1573dupG).
Protein change: p.Ala525fs; shifts the reading frame from alanine 525.
Molecular consequence: frameshift variant.
Genome position (GRCh38, 1-based): chr19:1,046,357, G duplicated; the last of 3 consecutive G bases (chr19:1,046,355-1,046,357); duplicating any one gives the same sequence. VCF-style (leftmost placement, unchanged base first): chr19-1046354-C-CG. GRCh37 (hg19) VCF-style: chr19-1046353-C-CG.
Other names: short protein forms A525fs.
Identifiers: ClinVar variation 4884214 (VCV004884214.2).

ClinVar aggregate classification (germline): Likely pathogenic (1 of 4 stars; one submission).

Submission:

Dasa
Classification: Likely pathogenic. Last evaluated: 2025-11-05. Review status: criteria provided, single submitter. Criteria: DASA Assertion Criteria. Collection method: clinical testing. Allele origin: germline.
Comment: NM_019112.4(ABCA7):c.1573dup (p.Ala525Glyfs*239) is a frameshift variant in ABCA7 predicted to alter the reading frame and introduce a premature termination codon and is predicted to result in an absent or altered protein product. Loss of function is an established disease mechanism for ABCA7-associated disorders. Also, this variant is absent from population databases. Based on the currently available evidence, this variant is classified as likely pathogenic.